The following is an entry in ClinVar:

ClinVar aggregate classification (germline): Uncertain significance (1 of 4 stars; one submission).

Conditions:
Primary ciliary dyskinesia. Also called: Ciliary dyskinesia. Identifiers: Orphanet 244, MedGen C0008780, MONDO:0016575, HP:0012265.

Allele frequency attached by ClinVar (database versions not stated): gnomAD exomes below 0.00001; gnomAD 0.00001; ExAC 0.00002; TOPMed 0.00003; 1000 Genomes Project 30x 0.00016; 1000 Genomes Project 0.00020.
gnomAD v4.1: 4 of 1,600,104 alleles (0.00025%); highest among the groups gnomAD compares: Admixed American, 0.0034%; no homozygotes.

Submission:

Labcorp Genetics (formerly Invitae), Labcorp
Classification: Uncertain significance for Primary ciliary dyskinesia. Last evaluated: 2022-07-12. Review status: criteria provided, single submitter. Criteria: Invitae Variant Classification Sherloc (09022015). Collection method: clinical testing. Allele origin: germline.
Comment: This sequence change falls in intron 6 of the DNAAF5 gene. It does not directly change the encoded amino acid sequence of the DNAAF5 protein. It affects a nucleotide within the consensus splice site. The frequency data for this variant in the population databases is considered unreliable, as metrics indicate poor data quality at this position in the gnomAD database. This variant has not been reported in the literature in individuals affected with DNAAF5-related conditions. ClinVar contains an entry for this variant (Variation ID: 1054677). Variants that disrupt the consensus splice site are a relatively common cause of aberrant splicing (PMID: 17576681, 9536098). Algorithms developed to predict the effect of sequence changes on RNA splicing suggest that this variant is not likely to affect RNA splicing. In summary, the available evidence is currently insufficient to determine the role of this variant in disease. Therefore, it has been classified as a Variant of Uncertain Significance.

Literature cited by the submitters: PubMed 17576681; PubMed 9536098.

NM_017802.4(DNAAF5):c.1471-3C>T

Gene: DNAAF5 (dynein axonemal assembly factor 5; plus strand). Cytogenetic location: 7p22.3.
Variant type: single nucleotide variant.
Coding change: c.1471-3C>T on transcript NM_017802.4 (MANE Select); 3 bases into the intron before coding-DNA position 1471, C replaced by T.
Molecular consequence: intron variant.
Genome position (GRCh38, 1-based): chr7:761,750, C>T. VCF-style: chr7-761750-C-T. GRCh37 (hg19) VCF-style: chr7-801387-C-T.
Identifiers: ClinVar variation 1054677 (VCV001054677.4), dbSNP rs543219185, ClinGen allele CA4110759.